The following is an entry in ClinVar:

ClinVar aggregate classification (germline): Uncertain significance. Review status: criteria provided, multiple submitters, no conflicts (2 of 4 stars). 3 submissions from 3 submitters: Uncertain significance (2). 1 of the submissions does not count toward it. Last evaluated 2026-01-17.

Conditions:
CDH23-related disorder. Also called: CDH23-related disorders; CDH23-related condition.
Usher syndrome type 1 (USH1). Also called: RETINITIS PIGMENTOSA AND CONGENITAL DEAFNESS. Identifiers: Orphanet 231169, Orphanet 886, MedGen C1568247, MONDO:0010168, OMIM 276900.

Allele frequency attached by ClinVar (database versions not stated): gnomAD 0.00001; gnomAD exomes 0.00001; TOPMed 0.00001.
gnomAD v4.1: 23 of 1,613,808 alleles (0.0014%); highest among the groups gnomAD compares: East Asian, 0.0067%; no homozygotes.

Submissions (3):

PreventionGenetics, part of Exact Sciences
Classification: Uncertain significance for CDH23-related condition. Last evaluated: 2026-01-17. Review status: criteria provided, single submitter. Criteria: ACMG Guidelines, 2015. Collection method: clinical testing. Allele origin: germline.
Comment: The CDH23 c.2692G>A variant is predicted to result in the amino acid substitution p.Glu898Lys. To our knowledge, this variant has not been reported in the literature. This variant is reported in 0.010% of alleles in individuals of East Asian descent in gnomAD. At this time, the clinical significance of this variant is uncertain due to the absence of conclusive functional and genetic evidence.

Labcorp Genetics (formerly Invitae), Labcorp
Classification: Uncertain significance. Last evaluated: 2023-08-04. Review status: criteria provided, single submitter. Criteria: Invitae Variant Classification Sherloc (09022015). Collection method: clinical testing. Allele origin: germline.
Comment: In summary, the available evidence is currently insufficient to determine the role of this variant in disease. Therefore, it has been classified as a Variant of Uncertain Significance. Advanced modeling of protein sequence and biophysical properties (such as structural, functional, and spatial information, amino acid conservation, physicochemical variation, residue mobility, and thermodynamic stability) performed at Invitae indicates that this missense variant is not expected to disrupt CDH23 protein function. ClinVar contains an entry for this variant (Variation ID: 1046248). This variant has not been reported in the literature in individuals affected with CDH23-related conditions. This variant is present in population databases (no rsID available, gnomAD 0.01%). This sequence change replaces glutamic acid, which is acidic and polar, with lysine, which is basic and polar, at codon 898 of the CDH23 protein (p.Glu898Lys).

Natera, Inc.
Classification: Uncertain significance for Usher syndrome type 1. Last evaluated: 2021-01-27. Review status: no assertion criteria provided. Collection method: clinical testing. Allele origin: germline. Not counted in ClinVar's aggregate classification.

NM_022124.6(CDH23):c.2692G>A (p.Glu898Lys)

Gene: CDH23 (cadherin related 23; plus strand). Cytogenetic location: 10q22.1.
Variant type: single nucleotide variant.
Coding change: c.2692G>A on transcript NM_022124.6 (MANE Select); coding-DNA position 2692, G replaced by A.
Protein change: p.Glu898Lys; replaces glutamic acid 898 with lysine.
Molecular consequence: missense variant.
Genome position (GRCh38, 1-based): chr10:71,702,653, G>A. VCF-style: chr10-71702653-G-A. GRCh37 (hg19) VCF-style: chr10-73462410-G-A.
Other names: c.2692G>A, p.Glu898Lys (NM_001171930.2, NM_001171931.2); c.2692G>A (NM_022124.5); short protein forms E898K.
Identifiers: ClinVar variation 1046248 (VCV001046248.5), dbSNP rs1013565672, ClinGen allele CA209452758.